The following is an entry in ClinVar:

NM_006996.3(SLC19A2):c.56T>C (p.Leu19Pro)

Genes: SLC19A2 (solute carrier family 19 member 2; minus strand), LOC129931894 (ATAC-STARR-seq lymphoblastoid silent region 1546; plus strand). Cytogenetic location: 1q24.2.
Variant type: single nucleotide variant.
Coding change: c.56T>C on transcript NM_006996.3 (MANE Select); coding-DNA position 56, T replaced by C.
Protein change: p.Leu19Pro; replaces leucine 19 with proline.
Molecular consequence: missense variant.
Genome position (GRCh38, 1-based): chr1:169,485,711, A>G on the plus strand (T>C on the coding strand, the complement: SLC19A2 is on the minus strand). VCF-style: chr1-169485711-A-G. GRCh37 (hg19) VCF-style: chr1-169454949-A-G.
Other names: c.56T>C, p.Leu19Pro (NM_001319667.1); short protein forms L19P.
Identifiers: ClinVar variation 3026154 (VCV003026154.23), dbSNP rs745928505, ClinGen allele CA1233157.

ClinVar aggregate classification (germline): Uncertain significance. Review status: criteria provided, multiple submitters, no conflicts (2 of 4 stars). 2 submissions from 2 submitters: Uncertain significance (2). Last evaluated 2023-12-01.

Allele frequency attached by ClinVar (database versions not stated): TOPMed 0.00001; gnomAD 0.00002; gnomAD exomes 0.00002; ExAC 0.00008.
gnomAD v4.1: 36 of 1,541,582 alleles (0.0023%); highest among the groups gnomAD compares: Non-Finnish European, 0.0029%; no homozygotes.

Submissions (2):

CeGaT Center for Human Genetics Tuebingen
Classification: Uncertain significance. Last evaluated: 2023-12-01. Review status: criteria provided, single submitter. Criteria: CeGaT Center For Human Genetics Tuebingen Variant Classification Criteria Version 2. Collection method: clinical testing. Allele origin: germline. Affected: yes. Observed: 1 variant allele.
Comment: SLC19A2: PM2:Supporting

Blueprint Genetics
Classification: Uncertain significance. Last evaluated: 2022-06-29. Review status: criteria provided, single submitter. Criteria: ACMG Guidelines, 2015. Collection method: clinical testing. Allele origin: germline.